The following is an entry in ClinVar:

NM_033305.3(VPS13A):c.4017A>G (p.Ile1339Met)

Gene: VPS13A (vacuolar protein sorting 13 homolog A; plus strand). Cytogenetic location: 9q21.2.
Variant type: single nucleotide variant.
Coding change: c.4017A>G on transcript NM_033305.3 (MANE Select); coding-DNA position 4017, A replaced by G.
Protein change: p.Ile1339Met; replaces isoleucine 1339 with methionine.
Molecular consequence: missense variant.
Genome position (GRCh38, 1-based): chr9:77,308,001, A>G. VCF-style: chr9-77308001-A-G. GRCh37 (hg19) VCF-style: chr9-79922917-A-G.
Other names: c.3900A>G, p.Ile1300Met (NM_001018037.2); c.4017A>G, p.Ile1339Met (NM_001018038.3, NM_015186.4); short protein forms I1339M, I1300M.
Identifiers: ClinVar variation 912438 (VCV000912438.7), dbSNP rs151129933, ClinGen allele CA5092415.

ClinVar aggregate classification (germline): Uncertain significance. Review status: criteria provided, multiple submitters, no conflicts (2 of 4 stars). 3 submissions from 3 submitters: Uncertain significance (3). Last evaluated 2022-04-07.

Conditions:
Inborn genetic diseases. Identifiers: MedGen C0950123, MeSH D030342.
VPS13A-related neurodegenerative disease. Also called: VPS13A Disease; Choreaacanthocytosis; Chorea-acanthocytosis; LEVINE-CRITCHLEY SYNDROME; Choreoacanthocytosis; ACANTHOCYTOSIS WITH NEUROLOGIC DISORDER. Identifiers: Orphanet 2388, MedGen C0393576, MONDO:0008695, OMIM 200150.

Allele frequency attached by ClinVar (database versions not stated): ExAC 0.00007; gnomAD exomes 0.00008 and 0.00023; TOPMed 0.00009; gnomAD 0.00010; ESP Exome Variant Server 0.00015.
gnomAD v4.1: 346 of 1,606,468 alleles (0.022%); highest among the groups gnomAD compares: Non-Finnish European, 0.028%; no homozygotes.

Submissions (3):

Ambry Genetics
Classification: Uncertain significance for Inborn genetic diseases. Last evaluated: 2022-04-07. Review status: criteria provided, single submitter. Criteria: Ambry Variant Classification Scheme 2023. Collection method: clinical testing. Allele origin: germline.

GeneDx
Classification: Uncertain significance. Last evaluated: 2019-10-10. Review status: criteria provided, single submitter. Criteria: GeneDx Variant Classification Process June 2021. Collection method: clinical testing. Allele origin: germline. Affected: yes.
Comment: Not observed at a significant frequency in large population cohorts (Lek et al., 2016); In silico analysis, which includes protein predictors and evolutionary conservation, supports that this variant does not alter protein structure/function; Has not been previously published as pathogenic or benign to our knowledge

Illumina Laboratory Services, Illumina
Classification: Uncertain significance for VPS13A-related neurodegenerative disease. Last evaluated: 2018-01-12. Review status: criteria provided, single submitter. Criteria: ICSL Variant Classification Criteria 13 December 2019. Collection method: clinical testing. Allele origin: germline.